The following is an entry in ClinVar:

NM_201525.4(ADGRG1):c.652T>C (p.Ser218Pro)

Gene: ADGRG1 (adhesion G protein-coupled receptor G1; plus strand). Cytogenetic location: 16q21.
Variant type: single nucleotide variant.
Coding change: c.652T>C on transcript NM_201525.4 (MANE Select); coding-DNA position 652, T replaced by C.
Protein change: p.Ser218Pro; replaces serine 218 with proline.
Molecular consequence: missense variant.
Genome position (GRCh38, 1-based): chr16:57,654,017, T>C. VCF-style: chr16-57654017-T-C. GRCh37 (hg19) VCF-style: chr16-57687929-T-C.
Other names: c.142T>C, p.Ser48Pro (NM_001290142.2); c.127T>C, p.Ser43Pro (NM_001290143.2, NM_001290144.2, NM_001370451.1 and 2 more transcripts); c.652T>C, p.Ser218Pro (NM_001370428.1, NM_001370429.1, NM_001370430.1 and 16 more transcripts); c.667T>C, p.Ser223Pro (NM_001370433.1, NM_001145773.3); c.496T>C, p.Ser166Pro (NM_001370442.1); short protein forms S166P, S43P, S218P, S48P, S223P.
Identifiers: ClinVar variation 1387723 (VCV001387723.6), dbSNP rs2148345603, ClinGen allele CA396046373.

ClinVar aggregate classification (germline): Uncertain significance (1 of 4 stars; one submission).

Submission:

Labcorp Genetics (formerly Invitae), Labcorp
Classification: Uncertain significance. Last evaluated: 2022-07-05. Review status: criteria provided, single submitter. Criteria: Invitae Variant Classification Sherloc (09022015). Collection method: clinical testing. Allele origin: germline.
Comment: In summary, the available evidence is currently insufficient to determine the role of this variant in disease. Therefore, it has been classified as a Variant of Uncertain Significance. Advanced modeling of protein sequence and biophysical properties (such as structural, functional, and spatial information, amino acid conservation, physicochemical variation, residue mobility, and thermodynamic stability) performed at Invitae indicates that this missense variant is not expected to disrupt ADGRG1 protein function. ClinVar contains an entry for this variant (Variation ID: 1387723). This variant has not been reported in the literature in individuals affected with ADGRG1-related conditions. This variant is not present in population databases (gnomAD no frequency). This sequence change replaces serine, which is neutral and polar, with proline, which is neutral and non-polar, at codon 218 of the ADGRG1 protein (p.Ser218Pro).